The following is an entry in ClinVar:

ClinVar aggregate classification (germline): Uncertain significance (1 of 4 stars; one submission).

Conditions:
SPTBN1-related disorder. Also called: SPTBN1-related condition.

Submission:

PreventionGenetics, part of Exact Sciences
Classification: Uncertain significance for SPTBN1-related condition. Last evaluated: 2025-03-18. Review status: criteria provided, single submitter. Criteria: ACMG Guidelines, 2015. Collection method: clinical testing. Allele origin: germline.
Comment: The SPTBN1 c.4957A>G variant is predicted to result in the amino acid substitution p.Lys1653Glu. To our knowledge, this variant has not been reported in the literature. This variant is reported in 0.011% of alleles in individuals of African descent in gnomAD. At this time, the clinical significance of this variant is uncertain due to the absence of conclusive functional and genetic evidence.

NM_003128.3(SPTBN1):c.4957A>G (p.Lys1653Glu)

Gene: SPTBN1 (spectrin beta, non-erythrocytic 1; plus strand). Cytogenetic location: 2p16.2.
Variant type: single nucleotide variant.
Coding change: c.4957A>G on transcript NM_003128.3 (MANE Select); coding-DNA position 4957, A replaced by G.
Protein change: p.Lys1653Glu; replaces lysine 1653 with glutamic acid.
Molecular consequence: missense variant.
Genome position (GRCh38, 1-based): chr2:54,647,221, A>G. VCF-style: chr2-54647221-A-G. GRCh37 (hg19) VCF-style: chr2-54874358-A-G.
Other names: c.4918A>G, p.Lys1640Glu (NM_178313.3); short protein forms K1653E, K1640E.
Identifiers: ClinVar variation 4997564 (VCV004997564.1).